The following is an entry in ClinVar:

ClinVar aggregate classification (germline): Likely pathogenic (1 of 4 stars; one submission).

Conditions:
Familial multiple polyposis syndrome (FAP). Also called: Familial adenomatous polyposis; Familial intestinal polyposis; Familial Adenomatous Polyposis (FAP); Familial polyposis; Classic familial adenomatous polyposis. Identifiers: Orphanet 733, MedGen C0032580, MONDO:0021055. Disease mechanism: loss of function.

Submission:

Women's Health and Genetics/Laboratory Corporation of America, LabCorp
Classification: Likely pathogenic for Familial multiple polyposis syndrome. Last evaluated: 2021-06-26. Review status: criteria provided, single submitter. Criteria: LabCorp Variant Classification Summary - May 2015. Collection method: clinical testing. Allele origin: germline.
Comment: Variant summary: APC c.4479_5268del790 (p.Glu1494LeufsX9) results in a premature termination codon, predicted to cause a truncation of the encoded protein or absence of the protein due to nonsense mediated decay, which are commonly known mechanisms for disease. Truncations downstream of this position have been observed at our laboratory and in the HGMD database. The variant was absent in 250452 control chromosomes. To our knowledge, no occurrence of c.4479_5268del790 in individuals affected with Familial Adenomatous Polyposis and no experimental evidence demonstrating its impact on protein function have been reported. No clinical diagnostic laboratories have submitted clinical-significance assessments for this variant to ClinVar after 2014. Based on the evidence outlined above, the variant was classified as likely pathogenic.

NM_000038.6(APC):c.4479_5268del (p.Glu1494fs)

Gene: APC (APC regulator of Wnt signaling pathway; plus strand). Cytogenetic location: 5q22.2.
Variant type: Deletion.
Coding change: c.4479_5268del on transcript NM_000038.6 (MANE Select); coding-DNA positions 4479 to 5268, 790 bases deleted.
Protein change: p.Glu1494fs; shifts the reading frame from glutamic acid 1494.
Molecular consequence: frameshift variant.
Genome position (GRCh38, 1-based): chr5:112,840,073-112,840,862, 790 bases deleted. GRCh37 (hg19): chr5:112,175,770-112,176,559.
Other names: c.4479_5268del, p.Glu1494fs (NM_001127510.3, NM_001354895.2); c.4425_5214del, p.Glu1476fs (NM_001127511.3); c.4533_5322del, p.Glu1512fs (NM_001354896.2); c.4509_5298del, p.Glu1504fs (NM_001354897.2); c.4404_5193del, p.Glu1469fs (NM_001354898.2); c.4395_5184del, p.Glu1466fs (NM_001354899.2); c.4356_5145del, p.Glu1453fs (NM_001354900.2); c.4302_5091del, p.Glu1435fs (NM_001354901.2); and 5 more; short protein forms E1211fs, E1334fs, E1368fs, E1393fs, E1403fs, E1435fs, E1453fs, E1466fs.
Identifiers: ClinVar variation 1177277 (VCV001177277.1), dbSNP rs2149915790, ClinGen allele CA2499217486.